The following is an entry in ClinVar:

ClinVar aggregate classification (germline): Conflicting classifications of pathogenicity. Review status: criteria provided, conflicting classifications (1 of 4 stars). 4 submissions from 4 submitters: Uncertain significance (3); Likely benign (1). Last evaluated 2026-01-12.

Conditions:
Glycogen storage disease IXc (GSD9C). Also called: GSD IXc. Identifiers: Orphanet 264580, MedGen C2751643, MONDO:0013091, OMIM 613027.

Allele frequency attached by ClinVar (database versions not stated): gnomAD exomes 0.00005 and 0.00010; ExAC 0.00008; gnomAD 0.00009 and 0.00012; ESP Exome Variant Server 0.00015; TOPMed 0.00015.
gnomAD v4.1: 90 of 1,613,800 alleles (0.0056%); highest among the groups gnomAD compares: Admixed American, 0.018%; no homozygotes.

Submissions (4):

Labcorp Genetics (formerly Invitae), Labcorp
Classification: Likely benign for Glycogen storage disease IXc. Last evaluated: 2026-01-12. Review status: criteria provided, single submitter. Criteria: Invitae Variant Classification Sherloc (09022015). Collection method: clinical testing. Allele origin: germline.

Mayo Clinic Laboratories, Mayo Clinic
Classification: Uncertain significance. Last evaluated: 2025-10-31. Review status: criteria provided, single submitter. Criteria: ACMG Guidelines, 2015. Collection method: clinical testing. Allele origin: germline. Observed: 3 variant alleles.

GeneDx
Classification: Uncertain significance. Last evaluated: 2021-03-25. Review status: criteria provided, single submitter. Criteria: GeneDx Variant Classification Process June 2021. Collection method: clinical testing. Allele origin: germline. Affected: yes.
Comment: In silico analysis, which includes protein predictors and evolutionary conservation, supports a deleterious effect; Has not been previously published as pathogenic or benign to our knowledge

Illumina Laboratory Services, Illumina
Classification: Uncertain significance for Glycogen storage disease IXc. Last evaluated: 2018-01-13. Review status: criteria provided, single submitter. Criteria: ICSL Variant Classification Criteria 13 December 2019. Collection method: clinical testing. Allele origin: germline.

NM_000294.3(PHKG2):c.1051G>A (p.Asp351Asn)

Gene: PHKG2 (phosphorylase kinase catalytic subunit gamma 2; plus strand). Cytogenetic location: 16p11.2.
Variant type: single nucleotide variant.
Coding change: c.1051G>A on transcript NM_000294.3 (MANE Select); coding-DNA position 1051, G replaced by A.
Protein change: p.Asp351Asn; replaces aspartic acid 351 with asparagine.
Molecular consequence: missense variant.
Genome position (GRCh38, 1-based): chr16:30,756,927, G>A. VCF-style: chr16-30756927-G-A. GRCh37 (hg19) VCF-style: chr16-30768248-G-A.
Other names: p.Asp351Asn; c.1051G>A, p.Asp351Asn (NM_001172432.2); short protein forms D351N.
Identifiers: ClinVar variation 470728 (VCV000470728.15), dbSNP rs151033581, ClinGen allele CA8013396.
Genomic context (GRCh38, chr16:30,756,927, plus strand): 5'-CTGACCAAGAATGCACTGTTGAGGGACCCTTATGCGCTGCGGTCAGTGCGGCACCTCATC[G>A]ACAACTGTGCCTTCCGGCTCTACGGGCACTGGGTAAAGAAAGGGGAGCAGCAGAACCGGG-3'
Protein context (NP_000285.1, residues 341-361): YALRSVRHLI[Asp351Asn]NCAFRLYGHW